The following is an entry in ClinVar:

NM_000138.5(FBN1):c.1866C>T (p.Ile622=)

Gene: FBN1 (fibrillin 1; minus strand). Cytogenetic location: 15q21.1.
Variant type: single nucleotide variant.
Coding change: c.1866C>T on transcript NM_000138.5 (MANE Select); coding-DNA position 1866, C replaced by T.
Protein change: p.Ile622=; no amino-acid change (isoleucine 622 retained).
Molecular consequence: synonymous variant.
Genome position (GRCh38, 1-based): chr15:48,505,119, G>A on the plus strand (C>T on the coding strand, the complement: FBN1 is on the minus strand). VCF-style: chr15-48505119-G-A. GRCh37 (hg19) VCF-style: chr15-48797316-G-A.
Other names: c.1866C>T, p.Ile622= (NM_001406716.1).
Identifiers: ClinVar variation 3071149 (VCV003071149.2), dbSNP rs780255280, ClinGen allele CA046207.

ClinVar aggregate classification (germline): Likely benign. Review status: criteria provided, multiple submitters, no conflicts (2 of 4 stars). 2 submissions from 2 submitters: Likely benign (2). Last evaluated 2023-05-16.

Conditions:
Marfan syndrome (MFS). Also called: MARFAN SYNDROME, TYPE I; Marfan syndrome type 1; Marfan's syndrome; Marfan syndrome, classic; FBN1-Related Marfan Syndrome. Identifiers: Orphanet 284963, Orphanet 558, MedGen C0024796, MONDO:0007947, OMIM 154700.

Allele frequency attached by ClinVar (database versions not stated): TOPMed 0.00001; gnomAD 0.00002; ExAC 0.00001.
gnomAD v4.1: 4 of 1,614,068 alleles (0.00025%); highest among the groups gnomAD compares: African/African-American, 0.0053%; no homozygotes.

Submissions (2):

All of Us Research Program, National Institutes of Health
Classification: Likely benign for Marfan syndrome. Last evaluated: 2023-05-16. Review status: criteria provided, single submitter. Criteria: ACMG Guidelines, 2015. Collection method: clinical testing. Allele origin: germline. Inheritance: Autosomal dominant inheritance. Observed: 1 variant allele, 1 heterozygote.
Comment: This study involves interpretation of variants in research participants for the purpose of population health screening. Participant phenotype was not available at the time of variant classification. Additional details can be found in publication PMID: 35346344, PMCID: PMC8962531

Blueprint Genetics
Classification: Likely benign. Last evaluated: 2021-06-21. Review status: criteria provided, single submitter. Criteria: ACMG Guidelines, 2015. Collection method: clinical testing. Allele origin: germline.